The following is an entry in ClinVar:

NM_006393.3(NEBL):c.1837C>T (p.Arg613Ter)

Gene: NEBL (nebulette; minus strand). Cytogenetic location: 10p12.31.
Variant type: single nucleotide variant.
Coding change: c.1837C>T on transcript NM_006393.3 (MANE Select); coding-DNA position 1837, C replaced by T.
Protein change: p.Arg613Ter; replaces arginine 613 with a stop codon.
Molecular consequence: nonsense. On other transcripts: intron variant (9).
Genome position (GRCh38, 1-based): chr10:20,826,479, G>A on the plus strand (C>T on the coding strand, the complement: NEBL is on the minus strand). VCF-style: chr10-20826479-G-A. GRCh37 (hg19) VCF-style: chr10-21115408-G-A.
Other names: p.R613*:CGA>TGA; c.250-13539C>T (NM_001377326.1, NM_001377327.1, NM_001377328.1); c.358-13539C>T (NM_213569.2, NM_001173484.2, NM_001377322.1); c.301-13539C>T (NM_001377324.1); c.292-13539C>T (NM_001377325.1); c.310-13539C>T (NM_001377323.1); short protein forms R613*.
Identifiers: ClinVar variation 178096 (VCV000178096.22), dbSNP rs146471913, ClinGen allele CA181392.

ClinVar aggregate classification (germline): Uncertain significance. Review status: criteria provided, multiple submitters, no conflicts (2 of 4 stars). 4 submissions from 4 submitters: Uncertain significance (4). Last evaluated 2026-01-05.

Conditions:
Primary dilated cardiomyopathy (DCM). Also called: Dilated Cardiomyopathy. Identifiers: Orphanet 217604, MedGen C0007193, MeSH D002311, MONDO:0005021, HP:0001644. Inheritance: Various modes of inheritance.
Hypertrophic cardiomyopathy. Also called: HYPERTROPHIC MYOCARDIOPATHY. Identifiers: Orphanet 217569, MedGen C0007194, MeSH D002312, MONDO:0005045, HP:0001639.

Allele frequency attached by ClinVar (database versions not stated): TOPMed 0.00026; gnomAD 0.00019; ESP Exome Variant Server 0.00031.
gnomAD v4.1: 462 of 1,612,644 alleles (0.029%); highest among the groups gnomAD compares: Non-Finnish European, 0.037%; no homozygotes.

Submissions (4):

Labcorp Genetics (formerly Invitae), Labcorp
Classification: Uncertain significance for Primary dilated cardiomyopathy. Last evaluated: 2026-01-05. Review status: criteria provided, single submitter. Criteria: Invitae Variant Classification Sherloc (09022015). Collection method: clinical testing. Allele origin: germline.
Comment: This sequence change creates a premature translational stop signal (p.Arg613*) in the NEBL gene. It is expected to result in an absent or disrupted protein product. However, the current clinical and genetic evidence is not sufficient to establish whether loss-of-function variants in NEBL cause disease. This variant is present in population databases (rs146471913, gnomAD 0.03%). This variant has not been reported in the literature in individuals affected with NEBL-related conditions. ClinVar contains an entry for this variant (Variation ID: 178096). In summary, the available evidence is currently insufficient to determine the role of this variant in disease. Therefore, it has been classified as a Variant of Uncertain Significance.

GeneDx
Classification: Uncertain significance. Last evaluated: 2025-04-22. Review status: criteria provided, single submitter. Criteria: GeneDx Variant Classification Process June 2021. Collection method: clinical testing. Allele origin: germline. Affected: yes.
Comment: Nonsense variant predicted to result in protein truncation or nonsense mediated decay in a gene for which loss-of-function is not an established mechanism of disease; Has not been previously published as pathogenic or benign to our knowledge; Variants in candidate genes are classified as variants of uncertain significance in accordance with ACMG guidelines (PMID: 25741868); This variant is associated with the following publications: (PMID: 25741868)

Victorian Clinical Genetics Services, Murdoch Childrens Research Institute
Classification: Uncertain significance for Hypertrophic cardiomyopathy. Last evaluated: 2022-02-02. Review status: criteria provided, single submitter. Criteria: ACMG Guidelines, 2015. Collection method: clinical testing. Allele origin: germline. Inheritance: Autosomal dominant inheritance. Affected: yes.
Comment: Based on the classification scheme VCGS_Germline_v1.3.4, this variant is classified as VUS-3B. Following criteria are met: 0105 - The mechanism of disease for this gene is not clearly established. However, loss of function is an unlikely mechanism of disease, as null mouse models have normal cardiac function (PMID: 25987543). (I) 0107 - This gene is associated with autosomal dominant disease. (I) 0201 - Variant is predicted to cause nonsense-mediated decay (NMD) and loss of protein (premature termination codon is located at least 54 nucleotides upstream of the final exon-exon junction). (SP) 0251 - This variant is heterozygous. (I) 0302 - Variant is present in gnomAD (v2) <0.001 for a dominant condition (44 heterozygotes, 0 homozygotes). (SP) 0710 - Other NMD predicted variants comparable to the one identified in this case have inconclusive previous evidence for pathogenicity. Other variants predicted to cause NMD have been reported as VUS in ClinVar. (I) 0809 - Previous evidence of pathogenicity for this variant is inconclusive. This variant has been reported as a VUS in ClinVar. (I) 0905 - No published segregation evidence has been identified for this variant. (I) 1007 - No published functional evidence has been identified for this variant. (I) 1208 - Inheritance information for this variant is not currently available in this individual. (I) Legend: (SP) - Supporting pathogenic, (I) - Information, (SB) - Supporting benign

Laboratory for Molecular Medicine, Mass General Brigham Personalized Medicine
Classification: Uncertain significance. Last evaluated: 2014-04-04. Review status: criteria provided, single submitter. Criteria: LMM Criteria. Collection method: clinical testing. Allele origin: germline. Observed: 1 variant allele.
Comment: The Arg613X variant in NEBL has not been previously reported in individuals with cardiomyopathy, but has been identified in 4/8600 European American chromosomes by the NHLBI Exome Sequencing Project (dbSNP rs146471913). This nonsense variant leads to a premature termination codon at p osition 613, which is predicted to lead to a truncated or absent protein. Missen se variants in NEBL have been reported in individuals with DCM and endocardial f ibroelastosis, and mouse studies provide support for a role of this gene in the etiology of dilated cardiomyopathy (Purevjav 2010), but the spectrum of variants for this gene has not been fully elucidated. In summary, additional studies are needed to fully assess the clinical significance of this variant.

Literature cited by the submitters: PubMed 25987543 (cited by Victorian Clinical Genetics Services, Murdoch Childrens Research Institute); PubMed 20951326 (cited by Laboratory for Molecular Medicine, Mass General Brigham Personalized Medicine).